The following is an entry in ClinVar:

ClinVar aggregate classification (germline): Uncertain significance (1 of 4 stars; one submission).

Conditions:
Aspartylglucosaminuria (AGU). Also called: AGA DEFICIENCY; GLYCOASPARAGINASE; GLYCOSYLASPARAGINASE DEFICIENCY; Aspartylglucos-aminuria; Aspartylglucos-amidase (AGA) deficiency. Identifiers: Orphanet 93, MedGen C0268225, MONDO:0008830, OMIM 208400, HP:0012068.

Allele frequency attached by ClinVar (database versions not stated): gnomAD exomes 0.00001; TOPMed 0.00001; gnomAD 0.00001.
gnomAD v4.1: 13 of 1,612,922 alleles (0.00081%); highest among the groups gnomAD compares: Non-Finnish European, 0.0011%; no homozygotes.

Submission:

Labcorp Genetics (formerly Invitae), Labcorp
Classification: Uncertain significance for Aspartylglucosaminuria. Last evaluated: 2022-07-18. Review status: criteria provided, single submitter. Criteria: Invitae Variant Classification Sherloc (09022015). Collection method: clinical testing. Allele origin: germline.
Comment: This sequence change replaces tyrosine, which is neutral and polar, with cysteine, which is neutral and slightly polar, at codon 182 of the AGA protein (p.Tyr182Cys). This variant is present in population databases (no rsID available, gnomAD 0.01%). This variant has not been reported in the literature in individuals affected with AGA-related conditions. Algorithms developed to predict the effect of missense changes on protein structure and function are either unavailable or do not agree on the potential impact of this missense change (SIFT: "Deleterious"; PolyPhen-2: "Probably Damaging"; Align-GVGD: "Class C0"). In summary, the available evidence is currently insufficient to determine the role of this variant in disease. Therefore, it has been classified as a Variant of Uncertain Significance.

NM_000027.4(AGA):c.545A>G (p.Tyr182Cys)

Gene: AGA (aspartylglucosaminidase; minus strand). Cytogenetic location: 4q34.3.
Variant type: single nucleotide variant.
Coding change: c.545A>G on transcript NM_000027.4 (MANE Select); coding-DNA position 545, A replaced by G.
Protein change: p.Tyr182Cys; replaces tyrosine 182 with cysteine.
Molecular consequence: missense variant. On other transcripts: non-coding transcript variant (1).
Genome position (GRCh38, 1-based): chr4:177,437,482, T>C on the plus strand (A>G on the coding strand, the complement: AGA is on the minus strand). VCF-style: chr4-177437482-T-C. GRCh37 (hg19) VCF-style: chr4-178358636-T-C.
Other names: c.545A>G, p.Tyr182Cys (NM_001171988.2); short protein forms Y182C.
Identifiers: ClinVar variation 2199982 (VCV002199982.1), dbSNP rs1314658888, ClinGen allele CA358782869.